The following is an entry in ClinVar:

NM_007078.3(LDB3):c.1164C>T (p.Pro388=)

Gene: LDB3 (LIM domain binding 3; plus strand). Cytogenetic location: 10q23.2.
Variant type: single nucleotide variant.
Coding change: c.1164C>T on transcript NM_007078.3 (MANE Select); coding-DNA position 1164, C replaced by T.
Protein change: p.Pro388=; no amino-acid change (proline 388 retained).
Molecular consequence: synonymous variant.
Genome position (GRCh38, 1-based): chr10:86,709,983, C>T. VCF-style: chr10-86709983-C-T. GRCh37 (hg19) VCF-style: chr10-88469740-C-T.
Other names: c.*10609C>T (NM_001080116.1); c.1164C>T (LRG_385t1); c.834C>T, p.Pro278= (NM_001080114.2); c.1179C>T, p.Pro393= (NM_001171610.2); c.975C>T, p.Pro325= (NM_001368064.1, NM_001368065.1); c.1023C>T, p.Pro341= (NM_001368066.1).
Identifiers: ClinVar variation 389669 (VCV000389669.12), dbSNP rs780108812, ClinGen allele CA5585069.

ClinVar aggregate classification (germline): Likely benign. Review status: criteria provided, multiple submitters, no conflicts (2 of 4 stars). 4 submissions from 4 submitters: Likely benign (4). Last evaluated 2025-09-20.

Conditions:
Cardiovascular phenotype. Identifiers: MedGen CN230736.
Myofibrillar myopathy 4. Also called: Zaspopathy (type). Identifiers: Orphanet 98912, MedGen C4721886, MONDO:0012277, OMIM 609452.

Allele frequency attached by ClinVar (database versions not stated): ExAC 0.00001; gnomAD exomes 0.00001 and 0.00002; gnomAD 0.00002; TOPMed 0.00004.
gnomAD v4.1: 22 of 1,613,090 alleles (0.0014%); highest among the groups gnomAD compares: East Asian, 0.016%; no homozygotes.

Submissions (4):

Labcorp Genetics (formerly Invitae), Labcorp
Classification: Likely benign for Myofibrillar myopathy 4. Last evaluated: 2025-09-20. Review status: criteria provided, single submitter. Criteria: Invitae Variant Classification Sherloc (09022015). Collection method: clinical testing. Allele origin: germline.

Blueprint Genetics
Classification: Likely benign. Last evaluated: 2024-10-24. Review status: criteria provided, single submitter. Criteria: ACMG Guidelines, 2015. Collection method: clinical testing. Allele origin: germline.

Ambry Genetics
Classification: Likely benign for Cardiovascular phenotype. Last evaluated: 2022-05-17. Review status: criteria provided, single submitter. Criteria: Ambry Variant Classification Scheme 2023. Collection method: clinical testing. Allele origin: germline.

GeneDx
Classification: Likely benign. Last evaluated: 2016-09-28. Review status: criteria provided, single submitter. Criteria: GeneDx Variant Classification (06012015). Collection method: clinical testing. Allele origin: germline. Affected: yes.
Comment: This variant is considered likely benign or benign based on one or more of the following criteria: it is a conservative change, it occurs at a poorly conserved position in the protein, it is predicted to be benign by multiple in silico algorithms, and/or has population frequency not consistent with disease.